The following is an entry in ClinVar:

NM_005751.5(AKAP9):c.5003dup (p.Leu1668fs)

Genes: AKAP9 (A-kinase anchoring protein 9; plus strand), LOC121175350 (Sharpr-MPRA regulatory region 2641; plus strand). Cytogenetic location: 7q21.2.
Variant type: Duplication.
Coding change: c.5003dup on transcript NM_005751.5 (MANE Select); coding-DNA position 5003, one base duplicated (T; older notation c.5003dupT).
Protein change: p.Leu1668fs; shifts the reading frame from leucine 1668.
Molecular consequence: frameshift variant.
Genome position (GRCh38, 1-based): chr7:92,042,131, T duplicated; the last of 3 consecutive T bases (chr7:92,042,129-92,042,131); duplicating any one gives the same sequence. VCF-style (leftmost placement, unchanged base first): chr7-92042128-C-CT. GRCh37 (hg19) VCF-style: chr7-91671442-C-CT.
Other names: c.5003dup, p.Leu1668fs (NM_147185.3); short protein forms L1668fs.
Identifiers: ClinVar variation 3764805 (VCV003764805.1).

ClinVar aggregate classification (germline): Uncertain significance (1 of 4 stars; one submission).

Conditions:
Long QT syndrome 11 (LQT11). Identifiers: Orphanet 101016, Orphanet 768, MedGen C2678483, MONDO:0012738, OMIM 611820.

Submission:

MVZ Medizinische Genetik Mainz
Classification: Uncertain significance for Long QT syndrome 11. Last evaluated: 2025-01-27. Review status: criteria provided, single submitter. Criteria: UK Practice Guidelines For Variant Classification V4 01 2020. Collection method: clinical testing. Allele origin: germline. Inheritance: Autosomal dominant inheritance. Affected: yes. Observed: 1 variant allele.
Comment: ACMG Criteria: PVS1_MOD,PM2_SUP